The following is an entry in ClinVar:

NM_130849.4(SLC39A4):c.111C>T (p.Gly37=)

Gene: SLC39A4 (solute carrier family 39 member 4; minus strand). Cytogenetic location: 8q24.3.
Variant type: single nucleotide variant.
Coding change: c.111C>T on transcript NM_130849.4 (MANE Select); coding-DNA position 111, C replaced by T.
Protein change: p.Gly37=; no amino-acid change (glycine 37 retained).
Molecular consequence: synonymous variant.
Genome position (GRCh38, 1-based): chr8:144,416,679, G>A on the plus strand (C>T on the coding strand, the complement: SLC39A4 is on the minus strand). VCF-style: chr8-144416679-G-A. GRCh37 (hg19) VCF-style: chr8-145642063-G-A.
Other names: c.111C>T, p.Gly37= (NM_001374839.1).
Identifiers: ClinVar variation 1127910 (VCV001127910.8), dbSNP rs782455816, ClinGen allele CA4941859.

ClinVar aggregate classification (germline): Likely benign. Review status: criteria provided, multiple submitters, no conflicts (2 of 4 stars). 2 submissions from 2 submitters: Likely benign (2). Last evaluated 2026-08-01.

Allele frequency attached by ClinVar (database versions not stated): gnomAD 0.00001; gnomAD exomes 0.00002; TOPMed 0.00002; ExAC 0.00004.
gnomAD v4.1: 15 of 1,611,740 alleles (0.00093%); highest among the groups gnomAD compares: Admixed American, 0.0033%; no homozygotes.

Submissions (2):

CeGaT Center for Human Genetics Tuebingen
Classification: Likely benign. Last evaluated: 2026-08-01. Review status: criteria provided, single submitter. Criteria: CeGaT Center For Human Genetics Tuebingen Variant Classification Criteria Version 2. Collection method: clinical testing. Allele origin: germline. Affected: yes. Observed: 1 variant allele.
Comment: SLC39A4: BP4, BP7

Labcorp Genetics (formerly Invitae), Labcorp
Classification: Likely benign. Last evaluated: 2023-11-25. Review status: criteria provided, single submitter. Criteria: Invitae Variant Classification Sherloc (09022015). Collection method: clinical testing. Allele origin: germline.